The following is an entry in ClinVar:

ClinVar aggregate classification (germline): Uncertain significance (1 of 4 stars; one submission).

Conditions:
CEP290-related disorder. Also called: CEP290-related condition; CEP290-related disorders. Identifiers: MedGen CN239314.

Submission:

PreventionGenetics, part of Exact Sciences
Classification: Uncertain significance for CEP290-related condition. Last evaluated: 2026-02-09. Review status: criteria provided, single submitter. Criteria: ACMG Guidelines, 2015. Collection method: clinical testing. Allele origin: germline.
Comment: The CEP290 c.1138A>C variant is predicted to result in the amino acid substitution p.Lys380Gln. To our knowledge, this variant has not been reported in the literature or in a large population database (gnomAD), indicating this variant is rare. At this time, the clinical significance of this variant is uncertain due to the absence of conclusive functional and genetic evidence.

NM_025114.4(CEP290):c.1138A>C (p.Lys380Gln)

Gene: CEP290 (centrosomal protein 290; minus strand). Cytogenetic location: 12q21.32.
Variant type: single nucleotide variant.
Coding change: c.1138A>C on transcript NM_025114.4 (MANE Select); coding-DNA position 1138, A replaced by C.
Protein change: p.Lys380Gln; replaces lysine 380 with glutamine.
Molecular consequence: missense variant.
Genome position (GRCh38, 1-based): chr12:88,125,297, T>G on the plus strand (A>C on the coding strand, the complement: CEP290 is on the minus strand). VCF-style: chr12-88125297-T-G. GRCh37 (hg19) VCF-style: chr12-88519074-T-G.
Other names: short protein forms K380Q.
Identifiers: ClinVar variation 4990837 (VCV004990837.1).
Genomic context (GRCh38, chr12:88,125,297, plus strand): 5'-TAAAAATACCTTTGTTTCTTTGGAGCTCATTTTTCAAATCTTCAATAATACAAGTATTCT[T>G]TTCCATTTCTTTTGTATATTGTTCTACTTGTTCGGTGAGCATCTTAATTTGACTGTCTCG-3'
Protein context (NP_079390.3, residues 370-390): QVEQYTKEME[Lys380Gln]NTCIIEDLKN